The following is an entry in ClinVar:

ClinVar aggregate classification (germline): Pathogenic/Likely pathogenic. Review status: criteria provided, multiple submitters, no conflicts (2 of 4 stars). 4 submissions from 4 submitters: Pathogenic (3); Likely pathogenic (1). Last evaluated 2024-05-08.

Conditions:
Autosomal recessive nonsyndromic hearing loss 23. Identifiers: Orphanet 90636, MedGen C1836027, MONDO:0012293, OMIM 609533.
Usher syndrome type 1F (USH1F). Also called: USHER SYNDROME, TYPE IF. Identifiers: Orphanet 231169, Orphanet 886, MedGen C1865885, MONDO:0011186, OMIM 602083.

Submissions (4):

Myriad Genetics, Inc.
Classification: Pathogenic for Usher syndrome type 1F. Last evaluated: 2024-05-08. Review status: criteria provided, single submitter. Criteria: Myriad Autosomal Dominant, Autosomal Recessive and X-Linked Classification Criteria (2023). Collection method: clinical testing. Allele origin: unknown.
Comment: NM_033056.3(PCDH15):c.567T>A(Y189*) is expected to be pathogenic in the context of PCDH15-related disorders. This variant is predicted to lead to an abnormal or absent protein product due to the creation of a premature termination codon in PCDH15, a gene where loss-of-function variants are known to be pathogenic. Please note: this variant was assessed in the context of healthy population screening.

Baylor Genetics
Classification: Likely pathogenic for Autosomal recessive nonsyndromic hearing loss 23. Last evaluated: 2022-09-10. Review status: criteria provided, single submitter. Criteria: ACMG Guidelines, 2015. Collection method: clinical testing. Allele origin: unknown.

Labcorp Genetics (formerly Invitae), Labcorp
Classification: Pathogenic. Last evaluated: 2019-09-27. Review status: criteria provided, single submitter. Criteria: Invitae Variant Classification Sherloc (09022015). Collection method: clinical testing. Allele origin: germline.
Comment: For these reasons, this variant has been classified as Pathogenic. Loss-of-function variants in PCDH15 are known to be pathogenic (PMID: 11398101, 11487575, 14570705). Algorithms developed to predict the effect of sequence changes on RNA splicing suggest that this variant may create or strengthen a splice site, but this prediction has not been confirmed by published transcriptional studies. This variant has not been reported in the literature in individuals with PCDH15-related conditions. This variant is not present in population databases (ExAC no frequency). This sequence change creates a premature translational stop signal (p.Tyr189*) in the PCDH15 gene. It is expected to result in an absent or disrupted protein product.

CeGaT Center for Human Genetics Tuebingen
Classification: Pathogenic. Last evaluated: 2019-01-01. Review status: criteria provided, single submitter. Criteria: CeGaT Center For Human Genetics Tuebingen Variant Classification Criteria Version 2. Collection method: clinical testing. Allele origin: germline. Affected: yes. Observed: 1 variant allele.

Literature cited by the submitters: PubMed 11398101 (cited by Labcorp Genetics (formerly Invitae), Labcorp); PubMed 11487575 (cited by Labcorp Genetics (formerly Invitae), Labcorp); PubMed 14570705 (cited by Labcorp Genetics (formerly Invitae), Labcorp).

NM_001384140.1(PCDH15):c.567T>A (p.Tyr189Ter)

Gene: PCDH15 (protocadherin related 15; minus strand). Cytogenetic location: 10q21.1.
Variant type: single nucleotide variant.
Coding change: c.567T>A on transcript NM_001384140.1 (MANE Select); coding-DNA position 567, T replaced by A.
Protein change: p.Tyr189Ter; replaces tyrosine 189 with a stop codon.
Molecular consequence: nonsense.
Genome position (GRCh38, 1-based): chr10:54,346,392, A>T on the plus strand (T>A on the coding strand, the complement: PCDH15 is on the minus strand). VCF-style: chr10-54346392-A-T. GRCh37 (hg19) VCF-style: chr10-56106152-A-T.
Other names: c.567T>A, p.Tyr189Ter (NM_001142772.2, NM_001354411.2, NM_001354420.2 and 8 more transcripts); c.501T>A, p.Tyr167Ter (NM_001142773.2, NM_001354404.2, NM_001142768.2); c.582T>A, p.Tyr194Ter (NM_001142763.2, NM_001142769.4, NM_001142771.2); short protein forms Y189*, Y194*, Y167*.
Identifiers: ClinVar variation 872166 (VCV000872166.49), dbSNP rs1943288780, ClinGen allele CA376541641.
Genomic context (GRCh38, chr10:54,346,392, plus strand): 5'-AGAAAATTACATTGCAAATAGGTATTTACATACCGGATCATCTGGATTATACTGAATAAC[A>T]TACTCTATCTGTCCATTTGGTCCATCATCTATATCTGTAGCTCCATTGTCTCCTGAAAAT-3'